The following is an entry in ClinVar:

NM_021961.6(TEAD1):c.721C>A (p.His241Asn)

Gene: TEAD1 (TEA domain transcription factor 1; plus strand). Cytogenetic location: 11p15.3.
Variant type: single nucleotide variant.
Coding change: c.721C>A on transcript NM_021961.6 (MANE Select); coding-DNA position 721, C replaced by A.
Protein change: p.His241Asn; replaces histidine 241 with asparagine.
Molecular consequence: missense variant.
Genome position (GRCh38, 1-based): chr11:12,901,961, C>A. VCF-style: chr11-12901961-C-A. GRCh37 (hg19) VCF-style: chr11-12923508-C-A.
Other names: short protein forms H241N.
Identifiers: ClinVar variation 960772 (VCV000960772.10), dbSNP rs868060188, ClinGen allele CA217846177.

ClinVar aggregate classification (germline): Uncertain significance. Review status: criteria provided, multiple submitters, no conflicts (2 of 4 stars). 2 submissions from 2 submitters: Uncertain significance (2). Last evaluated 2025-12-01.

Conditions:
Inborn genetic diseases. Identifiers: MedGen C0950123, MeSH D030342.

Allele frequency attached by ClinVar (database versions not stated): gnomAD exomes below 0.00001 and 0.00001; gnomAD 0.00001; TOPMed 0.00002.
gnomAD v4.1: 8 of 1,614,088 alleles (0.0005%); highest among the groups gnomAD compares: Non-Finnish European, 0.00059%; no homozygotes.

Submissions (2):

Labcorp Genetics (formerly Invitae), Labcorp
Classification: Uncertain significance. Last evaluated: 2025-12-01. Review status: criteria provided, single submitter. Criteria: Invitae Variant Classification Sherloc (09022015). Collection method: clinical testing. Allele origin: germline.
Comment: This sequence change replaces histidine, which is basic and polar, with asparagine, which is neutral and polar, at codon 241 of the TEAD1 protein (p.His241Asn). This variant is present in population databases (no rsID available, gnomAD 0.0009%). This variant has not been reported in the literature in individuals affected with TEAD1-related conditions. ClinVar contains an entry for this variant (Variation ID: 960772). Invitae Evidence Modeling of protein sequence and biophysical properties (such as structural, functional, and spatial information, amino acid conservation, physicochemical variation, residue mobility, and thermodynamic stability) indicates that this missense variant is not expected to disrupt TEAD1 protein function with a negative predictive value of 80%. In summary, the available evidence is currently insufficient to determine the role of this variant in disease. Therefore, it has been classified as a Variant of Uncertain Significance.

Ambry Genetics
Classification: Uncertain significance for Inborn genetic diseases. Last evaluated: 2025-10-02. Review status: criteria provided, single submitter. Criteria: Ambry Variant Classification Scheme 2023. Collection method: clinical testing. Allele origin: germline.